The following is an entry in ClinVar:

NM_006258.4(PRKG1):c.1091C>T (p.Ala364Val)

Gene: PRKG1 (protein kinase cGMP-dependent 1; plus strand). Cytogenetic location: 10q21.1.
Variant type: single nucleotide variant.
Coding change: c.1091C>T on transcript NM_006258.4 (MANE Select); coding-DNA position 1091, C replaced by T.
Protein change: p.Ala364Val; replaces alanine 364 with valine.
Molecular consequence: missense variant. On other transcripts: 5 prime UTR variant (1).
Genome position (GRCh38, 1-based): chr10:52,251,584, C>T. VCF-style: chr10-52251584-C-T. GRCh37 (hg19) VCF-style: chr10-54011344-C-T.
Other names: c.1046C>T, p.Ala349Val (NM_001098512.3); c.-119C>T (NM_001374781.1); short protein forms A349V, A364V.
Identifiers: ClinVar variation 1789430 (VCV001789430.7), dbSNP rs369811301, ClinGen allele CA5503759.
Genomic context (GRCh38, chr10:52,251,584, plus strand): 5'-TTTGCACCTCTAAGAAATTTCCATTTTTTCACATCAAAAAATCCAGATATGAAGCTGAAG[C>T]GGCTTTCTTCGCCAACCTGAAGCTGTCTGATTTCAACATCATTGATACCCTTGGAGTTGG-3'
Protein context (NP_006249.1, residues 354-374): AEAKAKYEAE[Ala364Val]AFFANLKLSD

ClinVar aggregate classification (germline): Uncertain significance. Review status: criteria provided, multiple submitters, no conflicts (2 of 4 stars). 2 submissions from 2 submitters: Uncertain significance (2). Last evaluated 2025-11-05.

Conditions:
Aortic aneurysm, familial thoracic 8 (AAT8). Identifiers: MedGen C3809513, MONDO:0014187, OMIM 615436.
Familial thoracic aortic aneurysm and aortic dissection (TAAD). Also called: Thoracic aortic aneurysms and dissections. Identifiers: Orphanet 91387, MedGen C4707243, MONDO:0019625.

Allele frequency attached by ClinVar (database versions not stated): gnomAD 0.00003; TOPMed 0.00003; ExAC 0.00004; ESP Exome Variant Server 0.00008.
gnomAD v4.1: 35 of 1,613,318 alleles (0.0022%); highest among the groups gnomAD compares: African/African-American, 0.011%; no homozygotes.

Submissions (2):

Labcorp Genetics (formerly Invitae), Labcorp
Classification: Uncertain significance for Aortic aneurysm, familial thoracic 8. Last evaluated: 2025-11-05. Review status: criteria provided, single submitter. Criteria: Invitae Variant Classification Sherloc (09022015). Collection method: clinical testing. Allele origin: germline.
Comment: This sequence change replaces alanine, which is neutral and non-polar, with valine, which is neutral and non-polar, at codon 364 of the PRKG1 protein (p.Ala364Val). This variant is present in population databases (rs369811301, gnomAD 0.07%). This variant has not been reported in the literature in individuals affected with PRKG1-related conditions. ClinVar contains an entry for this variant (Variation ID: 1789430). An algorithm developed to predict the effect of missense changes on protein structure and function (PolyPhen-2) suggests that this variant is likely to be tolerated. In summary, the available evidence is currently insufficient to determine the role of this variant in disease. Therefore, it has been classified as a Variant of Uncertain Significance.

Ambry Genetics
Classification: Uncertain significance for Familial thoracic aortic aneurysm and aortic dissection. Last evaluated: 2025-02-13. Review status: criteria provided, single submitter. Criteria: Ambry Variant Classification Scheme 2023. Collection method: clinical testing. Allele origin: germline.
Comment: The p.A364V variant (also known as c.1091C>T), located in coding exon 10 of the PRKG1 gene, results from a C to T substitution at nucleotide position 1091. The alanine at codon 364 is replaced by valine, an amino acid with similar properties. This amino acid position is not well conserved in available vertebrate species. In addition, this alteration is predicted to be tolerated by in silico analysis. Since supporting evidence is limited at this time, the clinical significance of this alteration remains unclear.